The following is an entry in ClinVar:

ClinVar aggregate classification (germline): Uncertain significance (1 of 4 stars; one submission).

Conditions:
Migraine, familial hemiplegic, 2. Identifiers: Orphanet 569, MedGen C1865322, MONDO:0011232, OMIM 602481.

gnomAD v4.1: 1 of 1,614,238 alleles (0.000062%); highest among the groups gnomAD compares: Non-Finnish European, 0.000085%; no homozygotes.

Submission:

Dasa
Classification: Uncertain significance for Migraine, familial hemiplegic, 2. Last evaluated: 2026-02-18. Review status: criteria provided, single submitter. Criteria: DASA Assertion Criteria. Collection method: clinical testing. Allele origin: germline.
Comment: NM_000702.4(ATP1A2):c.1687C>T (p.Pro563Ser) is a missense variant that results in the substitution of proline with serine. This variant is rare in population databases. The currently available literature and clinical evidence are not sufficient to establish a definitive association between this variant and the reported condition. Therefore, this variant is classified as a variant of uncertain significance.

NM_000702.4(ATP1A2):c.1687C>T (p.Pro563Ser)

Gene: ATP1A2 (ATPase Na+/K+ transporting subunit alpha 2; plus strand). Cytogenetic location: 1q23.2.
Variant type: single nucleotide variant.
Coding change: c.1687C>T on transcript NM_000702.4 (MANE Select); coding-DNA position 1687, C replaced by T.
Protein change: p.Pro563Ser; replaces proline 563 with serine.
Molecular consequence: missense variant.
Genome position (GRCh38, 1-based): chr1:160,130,457, C>T. VCF-style: chr1-160130457-C-T. GRCh37 (hg19) VCF-style: chr1-160100247-C-T.
Other names: short protein forms P563S.
Identifiers: ClinVar variation 4881621 (VCV004881621.2).